The following is an entry in ClinVar:

NM_016507.4(CDK12):c.1424C>T (p.Ser475Phe)

Gene: CDK12 (cyclin dependent kinase 12; plus strand). Cytogenetic location: 17q12.
Variant type: single nucleotide variant.
Coding change: c.1424C>T on transcript NM_016507.4 (MANE Select); coding-DNA position 1424, C replaced by T.
Protein change: p.Ser475Phe; replaces serine 475 with phenylalanine.
Molecular consequence: missense variant.
Genome position (GRCh38, 1-based): chr17:39,471,256, C>T. VCF-style: chr17-39471256-C-T. GRCh37 (hg19) VCF-style: chr17-37627509-C-T.
Other names: c.1424C>T, p.Ser475Phe (NM_015083.4); short protein forms S475F.
Identifiers: ClinVar variation 3265417 (VCV003265417.2).
Genomic context (GRCh38, chr17:39,471,256, plus strand): 5'-AATCTGCCCCAGATACTGAACTGGTGAATGTAACACATCTAAACACAGAGGTAAAAAATT[C>T]TTCAGATACAGGGAAAGTAAAGTTGGATGAGAACTCCGAGAAGCATCTTGTTAAAGATTT-3'
Protein context (NP_057591.2, residues 465-485): VTHLNTEVKN[Ser475Phe]SDTGKVKLDE

ClinVar aggregate classification (germline): Uncertain significance (1 of 4 stars; one submission).

gnomAD v4.1: 11 of 1,609,948 alleles (0.00068%); highest among the groups gnomAD compares: South Asian, 0.011%; no homozygotes.

Submission:

Ambry Genetics
Classification: Uncertain significance. Last evaluated: 2025-04-11. Review status: criteria provided, single submitter. Criteria: Ambry Variant Classification Scheme 2023. Collection method: clinical testing. Allele origin: germline.
Comment: The p.S475F variant (also known as c.1424C>T), located in coding exon 2 of the CDK12 gene, results from a C to T substitution at nucleotide position 1424. The serine at codon 475 is replaced by phenylalanine, an amino acid with highly dissimilar properties. This amino acid position is conserved. In addition, this alteration is predicted to be tolerated by in silico analysis. Based on the available evidence, the clinical significance of this variant remains unclear.